The following is an entry in ClinVar:

ClinVar aggregate classification (germline): Benign/Likely benign. Review status: criteria provided, multiple submitters, no conflicts (2 of 4 stars). 3 submissions from 3 submitters: Benign (1); Likely benign (2). Last evaluated 2025-03-27.

Conditions:
Hereditary cancer-predisposing syndrome. Also called: Hereditary Cancer Syndrome; Hereditary neoplastic syndrome; Tumor predisposition; Neoplastic Syndromes, Hereditary. Identifiers: Orphanet 140162, MedGen C0027672, MeSH D009386, MONDO:0015356.
Peutz-Jeghers syndrome (PJS). Also called: POLYPOSIS, HAMARTOMATOUS INTESTINAL; POLYPS-AND-SPOTS SYNDROME; Peutz-Jeghers polyposis; Periorificial lentiginosis syndrome. Identifiers: Orphanet 2869, MedGen C0031269, MeSH D010580, MONDO:0008280, OMIM 175200.

Allele frequency attached by ClinVar (database versions not stated): gnomAD exomes below 0.00001 and 0.00001; ExAC 0.00002.
gnomAD v4.1: 7 of 1,612,206 alleles (0.00043%); highest among the groups gnomAD compares: South Asian, 0.0044%; no homozygotes.

Submissions (3):

Myriad Genetics, Inc.
Classification: Benign for Peutz-Jeghers syndrome. Last evaluated: 2025-03-27. Review status: criteria provided, single submitter. Criteria: Myriad Autosomal Dominant, Autosomal Recessive and X-Linked Classification Criteria (2023). Collection method: clinical testing. Allele origin: unknown.
Comment: This variant is considered benign. This variant is a silent/synonymous amino acid change and it is not expected to impact splicing.

Ambry Genetics
Classification: Likely benign for Hereditary cancer-predisposing syndrome. Last evaluated: 2024-11-24. Review status: criteria provided, single submitter. Criteria: Ambry Variant Classification Scheme 2023. Collection method: clinical testing. Allele origin: germline.

Labcorp Genetics (formerly Invitae), Labcorp
Classification: Likely benign for Peutz-Jeghers syndrome. Last evaluated: 2023-12-03. Review status: criteria provided, single submitter. Criteria: Invitae Variant Classification Sherloc (09022015). Collection method: clinical testing. Allele origin: germline.

NM_000455.5(STK11):c.741C>T (p.Asn247=)

Gene: STK11 (serine/threonine kinase 11; plus strand). Cytogenetic location: 19p13.3.
Variant type: single nucleotide variant.
Coding change: c.741C>T on transcript NM_000455.5 (MANE Select); coding-DNA position 741, C replaced by T.
Protein change: p.Asn247=; no amino-acid change (asparagine 247 retained).
Molecular consequence: synonymous variant.
Genome position (GRCh38, 1-based): chr19:1,221,219, C>T. VCF-style: chr19-1221219-C-T. GRCh37 (hg19) VCF-style: chr19-1221218-C-T.
Identifiers: ClinVar variation 458060 (VCV000458060.10), dbSNP rs754761142, ClinGen allele CA048902.